The following is an entry in ClinVar:

NM_000501.4(ELN):c.15G>A (p.Thr5=)

Gene: ELN (elastin; plus strand). Cytogenetic location: 7q11.23.
Variant type: single nucleotide variant.
Coding change: c.15G>A on transcript NM_000501.4 (MANE Select); coding-DNA position 15, G replaced by A.
Protein change: p.Thr5=; no amino-acid change (threonine 5 retained).
Molecular consequence: synonymous variant.
Genome position (GRCh38, 1-based): chr7:74,028,202, G>A. VCF-style: chr7-74028202-G-A. GRCh37 (hg19) VCF-style: chr7-73442532-G-A.
Other names: c.15G>A, p.Thr5= (NM_001278913.2, NM_001278914.2, NM_001278915.2 and 9 more transcripts); c.15G>A (NM_000501.3).
Identifiers: ClinVar variation 2714512 (VCV002714512.5), dbSNP rs782452483, ClinGen allele CA4292209.

ClinVar aggregate classification (germline): Likely benign. Review status: criteria provided, single submitter (1 of 4 stars). 2 submissions from 2 submitters: Likely benign (1). 1 of the submissions does not count toward it. Last evaluated 2024-09-06.

Conditions:
ELN-related disorder.
Supravalvar aortic stenosis (SVAS). Also called: Supravalvar aortic stenosis, Eisenberg type. Identifiers: Orphanet 3193, MedGen C0003499, MONDO:0008504, OMIM 185500, HP:0004381.

Allele frequency attached by ClinVar (database versions not stated): TOPMed below 0.00001; gnomAD 0.00001; gnomAD exomes 0.00002; ExAC 0.00004.
gnomAD v4.1: 26 of 1,610,932 alleles (0.0016%); highest among the groups gnomAD compares: South Asian, 0.018%; no homozygotes.

Submissions (2):

Labcorp Genetics (formerly Invitae), Labcorp
Classification: Likely benign for Supravalvar aortic stenosis. Last evaluated: 2024-09-06. Review status: criteria provided, single submitter. Criteria: Invitae Variant Classification Sherloc (09022015). Collection method: clinical testing. Allele origin: germline.

PreventionGenetics, part of Exact Sciences
Classification: Likely benign for ELN-related condition. Last evaluated: 2019-02-27. Review status: no assertion criteria provided. Collection method: clinical testing. Allele origin: germline. Not counted in ClinVar's aggregate classification.
Comment: This variant is classified as likely benign based on ACMG/AMP sequence variant interpretation guidelines (Richards et al. 2015 PMID: 25741868, with internal and published modifications).